The following is an entry in ClinVar:

ClinVar aggregate classification (germline): Likely benign (1 of 4 stars; one submission).

Submission:

CeGaT Center for Human Genetics Tuebingen
Classification: Likely benign. Last evaluated: 2026-09-01. Review status: criteria provided, single submitter. Criteria: CeGaT Center For Human Genetics Tuebingen Variant Classification Criteria Version 2. Collection method: clinical testing. Allele origin: germline. Affected: yes. Observed: 1 variant allele.
Comment: POLR2A: BP4, BP7

NM_000937.5(POLR2A):c.5121G>A (p.Ser1707=)

Gene: POLR2A (RNA polymerase II subunit A; plus strand). Cytogenetic location: 17p13.1.
Variant type: single nucleotide variant.
Coding change: c.5121G>A on transcript NM_000937.5 (MANE Select); coding-DNA position 5121, G replaced by A.
Protein change: p.Ser1707=; no amino-acid change (serine 1707 retained).
Molecular consequence: synonymous variant.
Genome position (GRCh38, 1-based): chr17:7,513,385, G>A. VCF-style: chr17-7513385-G-A. GRCh37 (hg19) VCF-style: chr17-7416704-G-A.
Identifiers: ClinVar variation 5040897 (VCV005040897.1).